The following is an entry in ClinVar:

NM_032634.4(PIGO):c.2084_2086del (p.Lys695del)

Gene: PIGO (phosphatidylinositol glycan anchor biosynthesis class O; minus strand). Cytogenetic location: 9p13.3.
Variant type: Deletion.
Coding change: c.2084_2086del on transcript NM_032634.4 (MANE Select); coding-DNA positions 2084 to 2086, 3 bases deleted (AGA; older notation c.2084_2086delAGA).
Protein change: p.Lys695del; deletes lysine 695.
Molecular consequence: inframe deletion. On other transcripts: intron variant (2).
Genome position (GRCh38, 1-based): chr9:35,091,801-35,091,803, TCT deleted on the plus strand (AGA on the coding strand, the reverse complement: PIGO is on the minus strand); deleting any 3 consecutive bases within chr9:35,091,801-35,091,804 gives the same sequence; the c. name uses the placement nearest the transcript's 3' end. VCF-style (leftmost placement, unchanged base first): chr9-35091800-CTCT-C. GRCh37 (hg19) VCF-style: chr9-35091797-CTCT-C.
Other names: c.1345-512_1345-510del (NM_152850.4, NM_001201484.2); short protein forms K695del.
Identifiers: ClinVar variation 569944 (VCV000569944.7), dbSNP rs1436537334, ClinGen allele CA587568884.

ClinVar aggregate classification (germline): Uncertain significance (1 of 4 stars; one submission).

Conditions:
Hyperphosphatasia with impaired intellectual development syndrome 2. Also called: Hyperphosphatasia with intellectual disability syndrome 2; GLYCOSYLPHOSPHATIDYLINOSITOL BIOSYNTHESIS DEFECT 6. Identifiers: Orphanet 247262, MedGen C3553637, MONDO:0013882, OMIM 614749.

Submission:

Labcorp Genetics (formerly Invitae), Labcorp
Classification: Uncertain significance for Hyperphosphatasia with impaired intellectual development syndrome 2. Last evaluated: 2022-03-19. Review status: criteria provided, single submitter. Criteria: Invitae Variant Classification Sherloc (09022015). Collection method: clinical testing. Allele origin: germline.
Comment: This variant, c.2084_2086del, results in the deletion of 1 amino acid(s) of the PIGO protein (p.Lys695del), but otherwise preserves the integrity of the reading frame. In summary, the available evidence is currently insufficient to determine the role of this variant in disease. Therefore, it has been classified as a Variant of Uncertain Significance. Experimental studies and prediction algorithms are not available or were not evaluated, and the functional significance of this variant is currently unknown. ClinVar contains an entry for this variant (Variation ID: 569944). This variant has not been reported in the literature in individuals affected with PIGO-related conditions. This variant is present in population databases (no rsID available, gnomAD 0.02%).